The following is an entry in ClinVar:

NM_138420.4(AHNAK2):c.5229G>A (p.Lys1743=)

Gene: AHNAK2 (AHNAK nucleoprotein 2; minus strand). Cytogenetic location: 14q32.33.
Variant type: single nucleotide variant.
Coding change: c.5229G>A on transcript NM_138420.4 (MANE Select); coding-DNA position 5229, G replaced by A.
Protein change: p.Lys1743=; no amino-acid change (lysine 1743 retained).
Molecular consequence: synonymous variant.
Genome position (GRCh38, 1-based): chr14:104,950,222, C>T on the plus strand (G>A on the coding strand, the complement: AHNAK2 is on the minus strand). VCF-style: chr14-104950222-C-T. GRCh37 (hg19) VCF-style: chr14-105416559-C-T.
Other names: c.4929G>A, p.Lys1643= (NM_001350929.2).
Identifiers: ClinVar variation 3898239 (VCV003898239.7).

ClinVar aggregate classification (germline): Likely benign (1 of 4 stars; one submission).

Submission:

CeGaT Center for Human Genetics Tuebingen
Classification: Likely benign. Last evaluated: 2025-04-01. Review status: criteria provided, single submitter. Criteria: CeGaT Center For Human Genetics Tuebingen Variant Classification Criteria Version 2. Collection method: clinical testing. Allele origin: germline. Affected: yes. Observed: 1 variant allele.
Comment: AHNAK2: BP4, BP7, BS2